The following is an entry in ClinVar:

ClinVar aggregate classification (germline): Uncertain significance (1 of 4 stars; one submission).

Conditions:
Cardiomyopathy (CMYO). Also called: Cardiomyopathies. Identifiers: Orphanet 167848, MedGen C0878544, MONDO:0004994, HP:0001638. Inheritance: Various modes of inheritance.

Submission:

Color Diagnostics, LLC DBA Color Health
Classification: Uncertain significance for Cardiomyopathy. Last evaluated: 2024-03-07. Review status: criteria provided, single submitter. Criteria: ACMG Guidelines, 2015. Collection method: clinical testing. Allele origin: germline.
Comment: This missense variant replaces valine with aspartic acid at codon 1810 of the RYR2 protein. Computational prediction suggests that this variant may have deleterious impact on protein structure and function (internally defined REVEL score threshold >= 0.7, PMID: 27666373). To our knowledge, functional studies have not been reported for this variant. This variant has not been reported in individuals affected with cardiovascular disorders in the literature. This variant has not been identified in the general population by the Genome Aggregation Database (gnomAD). The available evidence is insufficient to determine the role of this variant in disease conclusively. Therefore, this variant is classified as a Variant of Uncertain Significance.

NM_001035.3(RYR2):c.5429T>A (p.Val1810Asp)

Gene: RYR2 (ryanodine receptor 2; plus strand). Cytogenetic location: 1q43.
Variant type: single nucleotide variant.
Coding change: c.5429T>A on transcript NM_001035.3 (MANE Select); coding-DNA position 5429, T replaced by A.
Protein change: p.Val1810Asp; replaces valine 1810 with aspartic acid.
Molecular consequence: missense variant.
Genome position (GRCh38, 1-based): chr1:237,614,557, T>A. VCF-style: chr1-237614557-T-A. GRCh37 (hg19) VCF-style: chr1-237777857-T-A.
Other names: short protein forms V1810D.
Identifiers: ClinVar variation 1171141 (VCV001171141.3), dbSNP rs2148596643, ClinGen allele CA345405007.